The following is an entry in ClinVar:

NM_006767.4(LZTR1):c.295G>T (p.Asp99Tyr)

Gene: LZTR1 (leucine zipper like post translational regulator 1; plus strand). Cytogenetic location: 22q11.21.
Variant type: single nucleotide variant.
Coding change: c.295G>T on transcript NM_006767.4 (MANE Select); coding-DNA position 295, G replaced by T.
Protein change: p.Asp99Tyr; replaces aspartic acid 99 with tyrosine.
Molecular consequence: missense variant.
Genome position (GRCh38, 1-based): chr22:20,985,872, G>T. VCF-style: chr22-20985872-G-T. GRCh37 (hg19) VCF-style: chr22-21340161-G-T.
Other names: short protein forms D99Y.
Identifiers: ClinVar variation 1712333 (VCV001712333.1), dbSNP rs1050873078, ClinGen allele CA410778850.

ClinVar aggregate classification (germline): Uncertain significance (1 of 4 stars; one submission).

Conditions:
Noonan syndrome 10 (NS10). Identifiers: Orphanet 648, MedGen C4225280, MONDO:0014693, OMIM 616564.

Submission:

Institute of Human Genetics, University of Leipzig Medical Center
Classification: Uncertain significance for Noonan syndrome 10. Last evaluated: 2022-10-12. Review status: criteria provided, single submitter. Criteria: ACMG Guidelines, 2015. Collection method: clinical testing. Allele origin: unknown. Affected: yes.
Comment: _x000D_ Criteria applied: PM1_SUP, PM2_SUP, PP3